The following is an entry in ClinVar:

NM_000387.6(SLC25A20):c.718+1G>C

Gene: SLC25A20 (solute carrier family 25 member 20; minus strand). Cytogenetic location: 3p21.31.
Variant type: single nucleotide variant.
Coding change: c.718+1G>C on transcript NM_000387.6 (MANE Select); the canonical splice donor site of the intron after coding-DNA position 718, G replaced by C.
Molecular consequence: splice donor variant.
Genome position (GRCh38, 1-based): chr3:48,859,091, C>G on the plus strand (G>C on the coding strand, the complement: SLC25A20 is on the minus strand). VCF-style: chr3-48859091-C-G. GRCh37 (hg19) VCF-style: chr3-48896524-C-G.
Identifiers: ClinVar variation 2734532 (VCV002734532.4), dbSNP rs766551395, ClinGen allele CA2387313.

ClinVar aggregate classification (germline): Pathogenic. Review status: criteria provided, multiple submitters, no conflicts (2 of 4 stars). 2 submissions from 2 submitters: Pathogenic (2). Last evaluated 2024-06-08.

Conditions:
Carnitine acylcarnitine translocase deficiency (CACTD). Identifiers: Orphanet 159, MedGen C0342791, MONDO:0008918, OMIM 212138.

Allele frequency attached by ClinVar (database versions not stated): gnomAD exomes below 0.00001; ExAC 0.00001.
gnomAD v4.1: 1 of 1,612,498 alleles (0.000062%); highest among the groups gnomAD compares: Non-Finnish European, 0.000085%; no homozygotes.

Submissions (2):

Fulgent Genetics
Classification: Pathogenic for Carnitine acylcarnitine translocase deficiency. Last evaluated: 2024-06-08. Review status: criteria provided, single submitter. Criteria: ACMG Guidelines, 2015. Collection method: clinical testing. Allele origin: germline.

Labcorp Genetics (formerly Invitae), Labcorp
Classification: Pathogenic for Carnitine acylcarnitine translocase deficiency. Last evaluated: 2023-09-10. Review status: criteria provided, single submitter. Criteria: Invitae Variant Classification Sherloc (09022015). Collection method: clinical testing. Allele origin: germline.
Comment: This variant is not present in population databases (gnomAD no frequency). This sequence change affects a donor splice site in intron 7 of the SLC25A20 gene. It is expected to disrupt RNA splicing. Variants that disrupt the donor or acceptor splice site typically lead to a loss of protein function (PMID: 16199547), and loss-of-function variants in SLC25A20 are known to be pathogenic (PMID: 25614308). Disruption of this splice site has been observed in individual(s) with arnitine-acylcarnitine translocase deficiency (PMID: 15365988). In at least one individual the data is consistent with being in trans (on the opposite chromosome) from a pathogenic variant. Studies have shown that disruption of this splice site is associated with altered splicing resulting in unknown protein product impact (PMID: 15365988). For these reasons, this variant has been classified as Pathogenic.

Literature cited by the submitters: PubMed 16199547 (cited by Labcorp Genetics (formerly Invitae), Labcorp); PubMed 25614308 (cited by Labcorp Genetics (formerly Invitae), Labcorp); PubMed 15365988 (cited by Labcorp Genetics (formerly Invitae), Labcorp).